The following is an entry in ClinVar:

ClinVar aggregate classification (germline): Likely benign. Review status: criteria provided, single submitter (1 of 4 stars). 2 submissions from 2 submitters: Likely benign (1). 1 of the submissions does not count toward it. Last evaluated 2022-10-02.

Conditions:
Severe combined immunodeficiency, autosomal recessive, T cell-negative, B cell-negative, NK cell-positive. Also called: SCID, T CELL-NEGATIVE, B CELL-NEGATIVE, NK CELL-POSITIVE; SCID, AR, T-cell negative, B-cell negative, NK cell-positive; Severe combined immunodeficiency due to complete RAG1/2 deficiency. Identifiers: Orphanet 331206, MedGen C1832322, MONDO:0011086, OMIM 601457.
Combined immunodeficiency with skin granulomas. Identifiers: Orphanet 157949, MedGen C2673536, MONDO:0009306, OMIM 233650.
RAG2-related disorder. Also called: RAG2-related condition.

Allele frequency attached by ClinVar (database versions not stated): ExAC 0.00001; gnomAD 0.00001; 1000 Genomes Project 30x 0.00016; 1000 Genomes Project 0.00020.

Submissions (2):

Labcorp Genetics (formerly Invitae), Labcorp
Classification: Likely benign for Combined immunodeficiency with skin granulomas; Severe combined immunodeficiency, autosomal recessive, T cell-negative, B cell-negative, NK cell-positive. Last evaluated: 2022-10-02. Review status: criteria provided, single submitter. Criteria: Invitae Variant Classification Sherloc (09022015). Collection method: clinical testing. Allele origin: germline.

PreventionGenetics, part of Exact Sciences
Classification: Likely benign for RAG2-related condition. Last evaluated: 2021-04-26. Review status: no assertion criteria provided. Collection method: clinical testing. Allele origin: germline. Not counted in ClinVar's aggregate classification.
Comment: This variant is classified as likely benign based on ACMG/AMP sequence variant interpretation guidelines (Richards et al. 2015 PMID: 25741868, with internal and published modifications).

NM_000536.4(RAG2):c.327C>T (p.Val109=)

Gene: RAG2 (recombination activating 2; minus strand). Cytogenetic location: 11p12.
Variant type: single nucleotide variant.
Coding change: c.327C>T on transcript NM_000536.4 (MANE Select); coding-DNA position 327, C replaced by T.
Protein change: p.Val109=; no amino-acid change (valine 109 retained).
Molecular consequence: synonymous variant.
Genome position (GRCh38, 1-based): chr11:36,593,842, G>A on the plus strand (C>T on the coding strand, the complement: RAG2 is on the minus strand). VCF-style: chr11-36593842-G-A. GRCh37 (hg19) VCF-style: chr11-36615392-G-A.
Other names: c.327C>T, p.Val109= (NM_001243785.2, NM_001243786.2); c.327C>T (NM_000536.3).
Identifiers: ClinVar variation 2144575 (VCV002144575.6), dbSNP rs566382309, ClinGen allele CA5950592.
Genomic context (GRCh38, chr11:36,593,842, plus strand): 5'-CAAGTCTTTCTCTGTGCAGCGAAAAGTAACCTTTTTGTTGTTCTTGCAAACAATAGACAT[G>A]ACATAAATCTTATCTGAAACCTCATTGTTTGGTGTTTTCCCTCCATGGATGATGTATTGA-3'
Protein context (NP_000527.2, residues 99-119): PNNEVSDKIY[Val109=]MSIVCKNNKK